The following is an entry in ClinVar:

NM_000426.4(LAMA2):c.1693C>T (p.Gln565Ter)

Gene: LAMA2 (laminin subunit alpha 2; plus strand). Cytogenetic location: 6q22.33.
Variant type: single nucleotide variant.
Coding change: c.1693C>T on transcript NM_000426.4 (MANE Select); coding-DNA position 1693, C replaced by T.
Protein change: p.Gln565Ter; replaces glutamine 565 with a stop codon.
Molecular consequence: nonsense.
Genome position (GRCh38, 1-based): chr6:129,192,764, C>T. VCF-style: chr6-129192764-C-T. GRCh37 (hg19) VCF-style: chr6-129513909-C-T.
Other names: c.1693C>T, p.Gln565Ter (NM_001079823.2); short protein forms Q565*.
Identifiers: ClinVar variation 3638657 (VCV003638657.3).
Genomic context (GRCh38, chr6:129,192,764, plus strand): 5'-CTGACTGACCTTCCTGGCCGCATTCGAGTGGCTCCCCAGCAGGACGACTTGGACTCACCT[C>T]AGCAGATCAGCATCAGTAACGCGGAGGCCCGGCAAGCCCTGCCGCACAGCTACTACTGGA-3'

ClinVar aggregate classification (germline): Pathogenic. Review status: criteria provided, multiple submitters, no conflicts (2 of 4 stars). 2 submissions from 2 submitters: Pathogenic (2). Last evaluated 2024-12-26.

Conditions:
LAMA2-related muscular dystrophy (LAMA2-RD). Also called: Laminin alpha 2-related dystrophy. Identifiers: MedGen C5679788, MONDO:0100228.

Submissions (2):

Women's Health and Genetics/Laboratory Corporation of America, LabCorp
Classification: Pathogenic for LAMA2-related muscular dystrophy. Last evaluated: 2024-12-26. Review status: criteria provided, single submitter. Criteria: LabCorp Variant Classification Summary - May 2015. Collection method: clinical testing. Allele origin: germline.
Comment: Variant summary: LAMA2 c.1693C>T (p.Gln565X) results in a premature termination codon, predicted to cause a truncation of the encoded protein or absence of the protein due to nonsense mediated decay, which are commonly known mechanisms for disease. The variant was absent in 251478 control chromosomes. c.1693C>T has been reported in the literature in at least one compound heterozygous individual affected with Laminin Alpha 2-Related Dystrophy (Xu_2023). To our knowledge, no experimental evidence demonstrating an impact on protein function has been reported. The following publication has been ascertained in the context of this evaluation (PMID: 37404563). No submitters have cited clinical-significance assessments for this variant to ClinVar. Based on the evidence outlined above, the variant was classified as pathogenic.

Labcorp Genetics (formerly Invitae), Labcorp
Classification: Pathogenic for LAMA2-related muscular dystrophy. Last evaluated: 2024-02-03. Review status: criteria provided, single submitter. Criteria: Invitae Variant Classification Sherloc (09022015). Collection method: clinical testing. Allele origin: germline.
Comment: This sequence change creates a premature translational stop signal (p.Gln565*) in the LAMA2 gene. It is expected to result in an absent or disrupted protein product. Loss-of-function variants in LAMA2 are known to be pathogenic (PMID: 18700894, 32904964). This variant is not present in population databases (gnomAD no frequency). This variant has not been reported in the literature in individuals affected with LAMA2-related conditions. For these reasons, this variant has been classified as Pathogenic.

Literature cited by the submitters: PubMed 37404563 (cited by Women's Health and Genetics/Laboratory Corporation of America, LabCorp); PubMed 18700894 (cited by Labcorp Genetics (formerly Invitae), Labcorp); PubMed 32904964 (cited by Labcorp Genetics (formerly Invitae), Labcorp).